The following is an entry in ClinVar:

ClinVar aggregate classification (germline): Pathogenic. Review status: criteria provided, multiple submitters, no conflicts (2 of 4 stars). 15 submissions from 15 submitters: Pathogenic (11). 4 of the submissions do not count toward it. Last evaluated 2026-01-26.

Conditions:
DYNC2H1-related disorder. Also called: DYNC2H1-related condition; DYNC2H1-related disorders. Identifiers: MedGen CN378770.
Jeune thoracic dystrophy. Also called: Short-rib thoracic dysplasia; Jeune syndrome; Infantile thoracic dystrophy; Thoracic pelvic phalangeal dystrophy; Jeune's syndrome; Chondroectodermal dysplasia-like syndrome. Identifiers: Orphanet 474, MedGen C0265275, MONDO:0018770.
Asphyxiating thoracic dystrophy 3. Also called: SHORT-RIB THORACIC DYSPLASIA 3 WITH OR WITHOUT POLYDACTYLY; POLYDACTYLY WITH NEONATAL CHONDRODYSTROPHY, TYPE I; SHORT-RIB THORACIC DYSPLASIA 3/6 WITH POLYDACTYLY, DIGENIC; Short rib polydactyly syndrome 2B; Saldino-Noonan Syndrome. Identifiers: Orphanet 474, Orphanet 93269, Orphanet 93270, Orphanet 93271, MedGen C0036069, MONDO:0013127, OMIM 613091.

Allele frequency attached by ClinVar (database versions not stated): TOPMed 0.00026; 1000 Genomes Project 30x 0.00016; 1000 Genomes Project 0.00020; gnomAD exomes 0.00003 and 0.00007; ExAC 0.00010; gnomAD 0.00014; ESP Exome Variant Server 0.00025.
gnomAD v4.1: 64 of 1,604,004 alleles (0.004%); highest among the groups gnomAD compares: African/African-American, 0.055%; no homozygotes.

Submissions (15):

Labcorp Genetics (formerly Invitae), Labcorp
Classification: Pathogenic for Jeune thoracic dystrophy. Last evaluated: 2026-01-26. Review status: criteria provided, single submitter. Criteria: Invitae Variant Classification Sherloc (09022015). Collection method: clinical testing. Allele origin: germline.
Comment: This sequence change creates a premature translational stop signal (p.Arg3532*) in the DYNC2H1 gene. It is expected to result in an absent or disrupted protein product. Loss-of-function variants in DYNC2H1 are known to be pathogenic (PMID: 23339108, 32753734, 33755199). This variant is present in population databases (rs181011657, gnomAD 0.05%). This premature translational stop signal has been observed in individual(s) with short-rib polydactyly type I, Saldino-Noonan type (PMID: 27925158). ClinVar contains an entry for this variant (Variation ID: 446570). For these reasons, this variant has been classified as Pathogenic.

Laboratory of Functional Genomics, Research Centre for Medical Genetics
Classification: Pathogenic for Asphyxiating thoracic dystrophy 3. Last evaluated: 2025-11-30. Review status: criteria provided, single submitter. Criteria: ACMG Guidelines, 2015. Collection method: clinical testing. Allele origin: de novo. Inheritance: Autosomal recessive inheritance. Affected: yes. Observed: 1 variant allele, 1 compound heterozygote.
Comment: This variant was found in compound heterozygosity with the likely pathogenic synonymous variant c.2386C>A. This variant introduces a premature termination codon, resulting in a significantly truncated protein lacking all functionally significant domains, including the ATPase AAA modules and the microtubule-binding domain. This variant has been previously described in patients with DYNC2H1-related SRTD. According to the ACMG 2015 guidelines (criteria PM2, PVS1, PM3), the c.10573C>T variant is classified as pathogenic.

Variantyx, Inc.
Classification: Pathogenic for Asphyxiating thoracic dystrophy 3. Last evaluated: 2025-11-20. Review status: criteria provided, single submitter. Criteria: Variantyx Assertion Criteria 2022. Collection method: clinical testing. Allele origin: germline. Inheritance: Autosomal recessive inheritance.
Comment: This is a nonsense variant in the DYNC2H1 gene (OMIM: 603297). Pathogenic variants in this gene have been associated with autosomal recessive short-rib thoracic dysplasia 3 with or without polydactyly. The clinical symptoms reported for this individual are highly specific for autosomal recessive short-rib thoracic dysplasia 3 with or without polydactyly, which has a limited genetic etiology (PP4). The alteration introduces a premature termination codon in exon 70 out of 90 and is expected to result in loss of function, which is a known disease mechanism for DYNC2H1 in this disorder (PMID: 27925158, 28518170, 31589614) (PVS1). This variant has been identified in the compound heterozygous state in at least 2 individuals reported in the published literature (PMID: 27925158, 31589614, 31974414) (PM3). This variant has a 0.0548% maximum allele frequency in non-founder control populations (PM2). Based on the current evidence, this variant is classified as pathogenic for autosomal recessive short-rib thoracic dysplasia 3 with or without polydactyly.

PreventionGenetics, part of Exact Sciences
Classification: Pathogenic for DYNC2H1-related condition. Last evaluated: 2025-10-08. Review status: criteria provided, single submitter. Criteria: ACMG Guidelines, 2015. Collection method: clinical testing. Allele origin: germline.
Comment: The DYNC2H1 c.10594C>T variant is predicted to result in premature protein termination (p.Arg3532*). This variant has been reported in the compound heterozygous state in a study using exome sequencing to diagnosis infants in intensive care units; however no further details were provided (Meng et al. 2017. PubMed ID: 28973083). This variant has also been reported along with another DYNC2H1 variant in fetus with a very narrow thorax, polydactyly of all limbs, and abdominal ascites (Badiner et al. 2017. PubMed ID: 27925158). This variant is reported in 0.048% of alleles in individuals of African descent in gnomAD. Nonsense variants in DYNC2H1 are expected to be pathogenic. This variant is interpreted as pathogenic.

GeneDx
Classification: Pathogenic. Last evaluated: 2025-08-06. Review status: criteria provided, single submitter. Criteria: GeneDx Variant Classification Process June 2021. Collection method: clinical testing. Allele origin: germline. Affected: yes.
Comment: Nonsense variant predicted to result in protein truncation or nonsense mediated decay in a gene for which loss of function is a known mechanism of disease; This variant is associated with the following publications: (PMID: 31589614, 31345219, 34426522, 31974414, 28973083, 29068549, 28518170, 27925158, 39881416)

Women's Health and Genetics/Laboratory Corporation of America, LabCorp
Classification: Pathogenic for Asphyxiating thoracic dystrophy 3. Last evaluated: 2024-12-27. Review status: criteria provided, single submitter. Criteria: LabCorp Variant Classification Summary - May 2015. Collection method: clinical testing. Allele origin: germline.
Comment: Variant summary: DYNC2H1 c.10594C>T (p.Arg3532X) results in a premature termination codon, predicted to cause a truncation of the encoded protein or absence of the protein due to nonsense mediated decay, which are commonly known mechanisms for disease. The variant allele was found at a frequency of 6.8e-05 in 236494 control chromosomes. This frequency is not significantly higher than estimated for a pathogenic variant in DYNC2H1 causing Short-rib thoracic dysplasia (6.8e-05 vs 0.0025), allowing no conclusion about variant significance. c.10594C>T has been reported in the literature in individuals affected with Short-rib thoracic dysplasia (e.g. Badiner_2017). To our knowledge, no experimental evidence demonstrating an impact on protein function has been reported. The following publication have been ascertained in the context of this evaluation (PMID: 27925158). ClinVar contains an entry for this variant (Variation ID: 446570). Based on the evidence outlined above, the variant was classified as pathogenic.

Blueprint Genetics
Classification: Pathogenic for DYNC2H1-related disorders. Last evaluated: 2024-05-28. Review status: criteria provided, single submitter. Criteria: ACMG Guidelines, 2015. Collection method: clinical testing. Allele origin: germline. Affected: yes. Observed: 5 variant alleles.

Myriad Genetics, Inc.
Classification: Pathogenic for Asphyxiating thoracic dystrophy 3. Last evaluated: 2024-04-19. Review status: criteria provided, single submitter. Criteria: Myriad Autosomal Dominant, Autosomal Recessive and X-Linked Classification Criteria (2023). Collection method: clinical testing. Allele origin: unknown.
Comment: NM_001377.2(DYNC2H1):c.10573C>T(R3525*) is expected to be pathogenic in the context of DYNC2H1-related disorders. This variant is predicted to lead to an abnormal or absent protein product due to the creation of a premature termination codon in DYNC2H1, a gene where loss-of-function variants are known to be pathogenic. Please note: this variant was assessed in the context of healthy population screening.

Fulgent Genetics
Classification: Pathogenic for Asphyxiating thoracic dystrophy 3. Last evaluated: 2024-02-19. Review status: criteria provided, single submitter. Criteria: ACMG Guidelines, 2015. Collection method: clinical testing. Allele origin: germline.

ARUP Laboratories, Molecular Genetics and Genomics, ARUP Laboratories
Classification: Pathogenic for Asphyxiating thoracic dystrophy 3. Last evaluated: 2021-09-13. Review status: criteria provided, single submitter. Criteria: ARUP Molecular Germline Variant Investigation Process 2021. Collection method: clinical testing. Allele origin: germline.
Comment: The DYNC2H1 c.10594C>T; p.Arg3532Ter variant (rs181011657) is reported in the literature in the compound heterozygous state, in individuals with short-rib polydactyly (Badiner 2017, Vora 2017), and bilateral hand and foot polydactyly (Meng 2017). This variant is in ClinVar (Variation ID: 446570) and is listed in the genome Aggregation Database with an overall population frequency of 0.006% (identified on 17 out of 264,854 chromosomes). The c.10594C>T variant creates a termination in the DYNC2H1 protein at codon 3532 in exon 70 which is predicted to result in a truncated or absent protein product. Based on these observations, the p.Arg3532Ter has been classified as pathogenic. Pathogenic variants in DYNC2H1 follow autosomal recessive and digenic recessive (with NEK1 variants) inheritance patterns and are associated with short-rib thoracic dysplasia (SRTD) 3 with or without polydactyly (MIM: 613091). REFERENCES Badiner N et al. Mutations in DYNC2H1, the cytoplasmic dynein 2, heavy chain 1 motor protein gene, cause short-rib polydactyly type I, Saldino-Noonan type. Clin Genet. 2017 Aug;92(2):158-165. Meng L et al. Use of Exome Sequencing for Infants in Intensive Care Units: Ascertainment of Severe Single-Gene Disorders and Effect on Medical Management. JAMA Pediatr. 2017 Dec 4;171(12):e173438. Vora NL et al. Prenatal exome sequencing in anomalous fetuses: new opportunities and challenges. Genet Med. 2017 Nov;19(11):1207-1216.

Juno Genomics, Hangzhou Juno Genomics, Inc
Classification: Pathogenic for Asphyxiating thoracic dystrophy 3. Review status: criteria provided, single submitter. Criteria: ACMG Guidelines, 2015. Collection method: clinical testing. Allele origin: germline. Affected: yes.
Comment: Absent from controls (or at extremely low frequency if recessive) in Genome Aggregation Database, Exome Sequencing Project, 1000 Genomes Project, or Exome Aggregation Consortium.;Null variant in a gene where loss of function (LOF) is a known mechanism of disease.;For recessive disorders, detected in trans with a pathogenic variant.;Patient's phenotype or family history is highly specific for a disease with a single genetic etiology.

Hainan Provincial Key Laboratory for Human Reproductive Medicine and Genetic Research
Classification: Pathogenic for Asphyxiating thoracic dystrophy 3. Last evaluated: 2024-07-25. Review status: no assertion criteria provided. Collection method: clinical testing. Allele origin: maternal. Inheritance: Autosomal recessive inheritance. Affected: yes. Not counted in ClinVar's aggregate classification.
Comment: The mutation of c.10594C>T has been reported before, which is a nonsense mutation, considered a pathogenic mutation.

Foundation for Research in Genetics and Endocrinology, FRIGE's Institute of Human Genetics
Classification: Likely pathogenic for Asphyxiating thoracic dystrophy 3. Last evaluated: 2018-01-03. Review status: no assertion criteria provided. Collection method: clinical testing. Allele origin: germline. Inheritance: Autosomal recessive inheritance. Affected: no. Observed: 1 variant allele, 1 heterozygote. Not counted in ClinVar's aggregate classification.
Comment: The observed variant c.10594C>T (p.R3532X) has a minor allele frequency of 0.02% in The 1000 Genomes and 0.01% in ExAC databases. The in silico prediction of the variant is damaging by MutationTaster2.

Dan Cohn Lab, University Of California Los Angeles
Classification: Pathogenic for Asphyxiating thoracic dystrophy 3. Last evaluated: 2017-06-01. Review status: no assertion criteria provided. Collection method: research. Allele origin: unknown, maternal, paternal. Affected: yes. Not counted in ClinVar's aggregate classification.

University of Washington Center for Mendelian Genomics, University of Washington
Classification: Likely pathogenic for Asphyxiating thoracic dystrophy 3. Review status: no assertion criteria provided. Collection method: research. Allele origin: inherited. Affected: yes. Not counted in ClinVar's aggregate classification.

Literature cited by the submitters: PubMed 23339108 (cited by Labcorp Genetics (formerly Invitae), Labcorp); PubMed 32753734 (cited by Labcorp Genetics (formerly Invitae), Labcorp); PubMed 33755199 (cited by Labcorp Genetics (formerly Invitae), Labcorp); PubMed 27925158 (cited by 3 submitters); PubMed 28518170 (cited by Variantyx, Inc.); PubMed 31589614 (cited by Variantyx, Inc.); PubMed 29068549 (cited by Dan Cohn Lab, University Of California Los Angeles and University of Washington Center for Mendelian Genomics, University of Washington).

NM_001377.3(DYNC2H1):c.10573C>T (p.Arg3525Ter)

Gene: DYNC2H1 (dynein cytoplasmic 2 heavy chain 1; plus strand). Cytogenetic location: 11q22.3.
Variant type: single nucleotide variant.
Coding change: c.10573C>T on transcript NM_001377.3 (MANE Select); coding-DNA position 10573, C replaced by T.
Protein change: p.Arg3525Ter; replaces arginine 3525 with a stop codon.
Molecular consequence: nonsense.
Genome position (GRCh38, 1-based): chr11:103,257,719, C>T. VCF-style: chr11-103257719-C-T. GRCh37 (hg19) VCF-style: chr11-103128448-C-T.
Other names: chr11:103257719; c.10594C>T, p.Arg3532Ter (NM_001080463.2); short protein forms R3532*, R3525*.
Identifiers: ClinVar variation 446570 (VCV000446570.33), dbSNP rs181011657, ClinGen allele CA6255008.